The following is an entry in ClinVar:

NM_014927.5(CNKSR2):c.2095A>C (p.Lys699Gln)

Gene: CNKSR2 (connector enhancer of kinase suppressor of Ras 2; plus strand). Cytogenetic location: Xp22.12.
Variant type: single nucleotide variant.
Coding change: c.2095A>C on transcript NM_014927.5 (MANE Select); coding-DNA position 2095, A replaced by C.
Protein change: p.Lys699Gln; replaces lysine 699 with glutamine.
Molecular consequence: missense variant.
Genome position (GRCh38, 1-based): chrX:21,606,829, A>C. VCF-style: chrX-21606829-A-C. GRCh37 (hg19) VCF-style: chrX-21624947-A-C.
Other names: c.2005A>C, p.Lys669Gln (NM_001168647.3, NM_001330773.2); c.2095A>C, p.Lys699Gln (NM_001168648.3); c.1948A>C, p.Lys650Gln (NM_001168649.3, NM_001330770.2); c.1858A>C, p.Lys620Gln (NM_001330771.2, NM_001330772.2); short protein forms K699Q, K620Q, K669Q, K650Q.
Identifiers: ClinVar variation 422494 (VCV000422494.3), dbSNP rs757576213, ClinGen allele CA10366723.

ClinVar aggregate classification (germline): Uncertain significance. Review status: criteria provided, multiple submitters, no conflicts (2 of 4 stars). 2 submissions from 2 submitters: Uncertain significance (2). Last evaluated 2024-09-01.

Conditions:
Inborn genetic diseases. Identifiers: MedGen C0950123, MeSH D030342.

Allele frequency attached by ClinVar (database versions not stated): ExAC 0.00001; gnomAD exomes 0.00002.
gnomAD v4.1: 2 of 1,204,508 alleles (0.00017%); highest among the groups gnomAD compares: Non-Finnish European, 0.00022%; no homozygotes.

Submissions (2):

Ambry Genetics
Classification: Uncertain significance for Inborn genetic diseases. Last evaluated: 2024-09-01. Review status: criteria provided, single submitter. Criteria: Ambry Variant Classification Scheme 2023. Collection method: clinical testing. Allele origin: germline.

GeneDx
Classification: Uncertain significance. Last evaluated: 2016-10-18. Review status: criteria provided, single submitter. Criteria: GeneDx Variant Classification (06012015). Collection method: clinical testing. Allele origin: germline. Affected: yes.
Comment: The K699Q variant in the CNKSR2 gene has not been reported previously as a pathogenic variant, nor as a benign variant, to our knowledge. The K699Q variant was not observed in approximately 6500 individuals of European and African American ancestry in the NHLBI Exome Sequencing Project, indicating it is not a common benign variant in these populations. The K699Q variant is a semi-conservative amino acid substitution, which may impact secondary protein structure as these residues differ in some properties. This substitution occurs at a position that is conserved across species. In silico analysis is inconsistent in its predictions as to whether or not the variant is damaging to the protein structure/function. We interpret K699Q as a variant of uncertain significance.